The following is an entry in ClinVar:

ClinVar aggregate classification (germline): Uncertain significance (1 of 4 stars; one submission).

Conditions:
Charcot-Marie-Tooth disease type 4. Also called: Charcot-Marie-Tooth disease, type IV; Charcot-Marie-Tooth, Type 4. Identifiers: Orphanet 64749, MedGen C4082197, MONDO:0018995.

Submission:

Labcorp Genetics (formerly Invitae), Labcorp
Classification: Uncertain significance for Charcot-Marie-Tooth disease type 4. Last evaluated: 2022-03-12. Review status: criteria provided, single submitter. Criteria: Invitae Variant Classification Sherloc (09022015). Collection method: clinical testing. Allele origin: germline.
Comment: In summary, the available evidence is currently insufficient to determine the role of this variant in disease. Therefore, it has been classified as a Variant of Uncertain Significance. Algorithms developed to predict the effect of missense changes on protein structure and function (SIFT, PolyPhen-2, Align-GVGD) all suggest that this variant is likely to be tolerated. This variant has not been reported in the literature in individuals affected with SBF2-related conditions. This variant is not present in population databases (gnomAD no frequency). This sequence change replaces proline, which is neutral and non-polar, with alanine, which is neutral and non-polar, at codon 516 of the SBF2 protein (p.Pro516Ala).

NM_030962.4(SBF2):c.1546C>G (p.Pro516Ala)

Gene: SBF2 (SET binding factor 2; minus strand). Cytogenetic location: 11p15.4.
Variant type: single nucleotide variant.
Coding change: c.1546C>G on transcript NM_030962.4 (MANE Select); coding-DNA position 1546, C replaced by G.
Protein change: p.Pro516Ala; replaces proline 516 with alanine.
Molecular consequence: missense variant.
Genome position (GRCh38, 1-based): chr11:9,968,395, G>C on the plus strand (C>G on the coding strand, the complement: SBF2 is on the minus strand). VCF-style: chr11-9968395-G-C. GRCh37 (hg19) VCF-style: chr11-9989942-G-C.
Other names: c.1546C>G, p.Pro516Ala (NM_001386339.1); c.1417C>G, p.Pro473Ala (NM_001386342.1); short protein forms P473A, P516A.
Identifiers: ClinVar variation 1968699 (VCV001968699.5), dbSNP rs2495917879, ClinGen allele CA379629735.